The following is an entry in ClinVar:

NM_001844.5(COL2A1):c.2712C>T (p.Arg904=)

Gene: COL2A1 (collagen type II alpha 1 chain; minus strand). Cytogenetic location: 12q13.11.
Variant type: single nucleotide variant.
Coding change: c.2712C>T on transcript NM_001844.5 (MANE Select); coding-DNA position 2712, C replaced by T.
Protein change: p.Arg904=; no amino-acid change (arginine 904 retained).
Molecular consequence: synonymous variant.
Genome position (GRCh38, 1-based): chr12:47,979,532, G>A on the plus strand (C>T on the coding strand, the complement: COL2A1 is on the minus strand). VCF-style: chr12-47979532-G-A. GRCh37 (hg19) VCF-style: chr12-48373315-G-A.
Other names: c.2505C>T, p.Arg835= (NM_033150.3).
Identifiers: ClinVar variation 515600 (VCV000515600.16), dbSNP rs765332234, ClinGen allele CA6535017.

ClinVar aggregate classification (germline): Likely benign. Review status: criteria provided, multiple submitters, no conflicts (2 of 4 stars). 5 submissions from 5 submitters: Likely benign (4). 1 of the submissions does not count toward it. Last evaluated 2025-07-10.

Conditions:
COL2A1-related disorder. Also called: COL2A1-related condition; COL2A1-related disorders.

Allele frequency attached by ClinVar (database versions not stated): ExAC 0.00001; gnomAD exomes 0.00001; gnomAD 0.00007 and 0.00009; TOPMed 0.00009.
gnomAD v4.1: 22 of 1,613,420 alleles (0.0014%); highest among the groups gnomAD compares: African/African-American, 0.019%; no homozygotes.

Submissions (5):

Labcorp Genetics (formerly Invitae), Labcorp
Classification: Likely benign. Last evaluated: 2025-07-10. Review status: criteria provided, single submitter. Criteria: Invitae Variant Classification Sherloc (09022015). Collection method: clinical testing. Allele origin: germline.

Blueprint Genetics
Classification: Likely benign. Last evaluated: 2024-11-15. Review status: criteria provided, single submitter. Criteria: ACMG Guidelines, 2015. Collection method: clinical testing. Allele origin: germline.

GeneDx
Classification: Likely benign. Last evaluated: 2019-07-26. Review status: criteria provided, single submitter. Criteria: GeneDx Variant Classification Process June 2021. Collection method: clinical testing. Allele origin: germline. Affected: yes.

Breakthrough Genomics
Classification: Likely benign. Review status: criteria provided, single submitter. Criteria: ACMG Guidelines, 2015. Collection method: not provided. Allele origin: germline. Inheritance: Autosomal dominant inheritance. Affected: yes.

PreventionGenetics, part of Exact Sciences
Classification: Likely benign for COL2A1-related condition. Last evaluated: 2024-01-08. Review status: no assertion criteria provided. Collection method: clinical testing. Allele origin: germline. Not counted in ClinVar's aggregate classification.
Comment: This variant is classified as likely benign based on ACMG/AMP sequence variant interpretation guidelines (Richards et al. 2015 PMID: 25741868, with internal and published modifications).